The following is an entry in ClinVar:

ClinVar aggregate classification (germline): not provided. Review status: no classification provided (0 of 4 stars). 2 submissions from 1 submitter: not provided (1). 1 of the submissions does not count toward it.

Allele frequency attached by ClinVar (database versions not stated): gnomAD 0.00001; TOPMed 0.00001.

Submissions (2):

Human Evolutionary Genetics, Institut Pasteur
No classification provided. Review status: no classification provided. Collection method: not provided. Allele origin: germline.
ClinVar note: Converted during submission from untested to not provided.

Human Evolutionary Genetics, Institut Pasteur
No classification provided. Review status: flagged submission. Collection method: not provided. Allele origin: germline. Not counted in ClinVar's aggregate classification.
ClinVar note: Converted during submission from untested to not provided.
ClinVar note: Reason: This record appears to be redundant with a more recent record from the same submitter.
ClinVar note: Notes: SCV000121723 appears to be redundant with SCV000121985.

NM_134444.5(NLRP4):c.-458G>A

Genes: NLRP11 (NLR family pyrin domain containing 11; minus strand), NLRP4 (NLR family pyrin domain containing 4; plus strand). Cytogenetic location: 19q13.43.
Variant type: single nucleotide variant.
Coding change: c.-458G>A on transcript NM_134444.5 (MANE Select); 458 bases upstream of the start codon, G replaced by A.
Molecular consequence: 5 prime UTR variant. On other transcripts: non-coding transcript variant (3).
Genome position (GRCh38, 1-based): chr19:55,836,542, G>A. VCF-style: chr19-55836542-G-A. GRCh37 (hg19) VCF-style: chr19-56347908-G-A.
Other names: c.-455C>T (NM_001297743.3); c.-491C>T (NM_001385451.2, NM_001385453.2, NM_145007.5).
Identifiers: ClinVar variation 102982 (VCV000102982.3), dbSNP rs199475740, ClinGen allele CA229948.